The following is an entry in ClinVar:

ClinVar aggregate classification (germline): Uncertain significance (1 of 4 stars; one submission).

Conditions:
Mucopolysaccharidosis, MPS-III-D (MPS3D). Also called: N-ACETYLGLUCOSAMINE-6-SULFATASE DEFICIENCY; SANFILIPPO SYNDROME D; MPS III D; Mucopoly-saccharidosis type 3D; N-acetylglucosamine-6-sulfate sulfatase deficiency; MPS 3D. Identifiers: Orphanet 581, Orphanet 79272, MedGen C0086650, MONDO:0009658, OMIM 252940.

Allele frequency attached by ClinVar (database versions not stated): gnomAD exomes below 0.00001; gnomAD 0.00002; TOPMed 0.00001.
gnomAD v4.1: 6 of 1,599,444 alleles (0.00038%); highest among the groups gnomAD compares: East Asian, 0.0045%; no homozygotes.

Submission:

Labcorp Genetics (formerly Invitae), Labcorp
Classification: Uncertain significance for Mucopolysaccharidosis, MPS-III-D. Last evaluated: 2022-09-12. Review status: criteria provided, single submitter. Criteria: Invitae Variant Classification Sherloc (09022015). Collection method: clinical testing. Allele origin: germline.
Comment: This sequence change replaces valine, which is neutral and non-polar, with isoleucine, which is neutral and non-polar, at codon 299 of the GNS protein (p.Val299Ile). This variant is present in population databases (no rsID available, gnomAD 0.005%). This variant has not been reported in the literature in individuals affected with GNS-related conditions. ClinVar contains an entry for this variant (Variation ID: 1520892). Advanced modeling of protein sequence and biophysical properties (such as structural, functional, and spatial information, amino acid conservation, physicochemical variation, residue mobility, and thermodynamic stability) performed at Invitae indicates that this missense variant is not expected to disrupt GNS protein function. In summary, the available evidence is currently insufficient to determine the role of this variant in disease. Therefore, it has been classified as a Variant of Uncertain Significance.

NM_002076.4(GNS):c.895G>A (p.Val299Ile)

Gene: GNS (glucosamine (N-acetyl)-6-sulfatase; minus strand). Cytogenetic location: 12q14.3.
Variant type: single nucleotide variant.
Coding change: c.895G>A on transcript NM_002076.4 (MANE Select); coding-DNA position 895, G replaced by A.
Protein change: p.Val299Ile; replaces valine 299 with isoleucine.
Molecular consequence: missense variant.
Genome position (GRCh38, 1-based): chr12:64,739,480, C>T on the plus strand (G>A on the coding strand, the complement: GNS is on the minus strand). VCF-style: chr12-64739480-C-T. GRCh37 (hg19) VCF-style: chr12-65133260-C-T.
Other names: short protein forms V299I.
Identifiers: ClinVar variation 1520892 (VCV001520892.3), dbSNP rs1327778268, ClinGen allele CA385608134.